The following is an entry in ClinVar:

ClinVar aggregate classification (germline): Conflicting classifications of pathogenicity. Review status: criteria provided, conflicting classifications (1 of 4 stars). 3 submissions from 2 submitters: Uncertain significance (1); Benign (1); Likely benign (1). Last evaluated 2025-12-31.

Conditions:
Atypical hemolytic-uremic syndrome with B factor anomaly. Also called: HEMOLYTIC UREMIC SYNDROME, ATYPICAL, SUSCEPTIBILITY TO, 4; AHUS, SUSCEPTIBILITY TO, 4. Identifiers: Orphanet 2134, MedGen C2752038, MONDO:0013042, OMIM 612924.
Macular degeneration. Also called: Degenerative disorder of macula. Identifiers: MedGen C0024437, MONDO:0003004, HP:0000608.

Allele frequency attached by ClinVar (database versions not stated): gnomAD 0.00001; TOPMed 0.00002; ExAC 0.00003; 1000 Genomes Project 30x 0.00016; 1000 Genomes Project 0.00020; gnomAD exomes 0.00001.

Submissions (3):

Labcorp Genetics (formerly Invitae), Labcorp
Classification: Likely benign. Last evaluated: 2025-12-31. Review status: criteria provided, single submitter. Criteria: Invitae Variant Classification Sherloc (09022015). Collection method: clinical testing. Allele origin: germline.

Illumina Laboratory Services, Illumina
Classification: Uncertain significance for Macular degeneration. Last evaluated: 2018-01-13. Review status: criteria provided, single submitter. Criteria: ICSL Variant Classification Criteria 13 December 2019. Collection method: clinical testing. Allele origin: germline.

Illumina Laboratory Services, Illumina
Classification: Benign for Atypical hemolytic-uremic syndrome with B factor anomaly. Last evaluated: 2018-01-13. Review status: criteria provided, single submitter. Criteria: ICSL Variant Classification Criteria 13 December 2019. Collection method: clinical testing. Allele origin: germline.
Comment: This variant was observed in the ICSL laboratory as part of a predisposition screen in an ostensibly healthy population. It had not been previously curated by ICSL or reported in the Human Gene Mutation Database (HGMD: prior to June 1st, 2018), and was therefore a candidate for classification through an automated scoring system. Utilizing variant allele frequency, disease prevalence and penetrance estimates, and inheritance mode, an automated score was calculated to assess if this variant is too frequent to cause the disease. Based on the score and internal cut-off values, a variant classified as benign is not then subjected to further curation. The score for this variant resulted in a classification of benign for this disease.

NM_001710.6(CFB):c.1956+10G>A

Gene: CFB (complement factor B; plus strand). Cytogenetic location: 6p21.33.
Variant type: single nucleotide variant.
Coding change: c.1956+10G>A on transcript NM_001710.6 (MANE Select); 10 bases into the intron after coding-DNA position 1956, G replaced by A.
Molecular consequence: intron variant.
Genome position (GRCh38, 1-based): chr6:31,951,254, G>A. VCF-style: chr6-31951254-G-A. GRCh37 (hg19) VCF-style: chr6-31919031-G-A.
Identifiers: ClinVar variation 903888 (VCV000903888.6), dbSNP rs545348156, ClinGen allele CA3728503.